The following is an entry in ClinVar:

NM_201384.3(PLEC):c.8913G>A (p.Arg2971=)

Gene: PLEC (plectin; minus strand). Cytogenetic location: 8q24.3.
Variant type: single nucleotide variant.
Coding change: c.8913G>A on transcript NM_201384.3 (MANE Select); coding-DNA position 8913, G replaced by A.
Protein change: p.Arg2971=; no amino-acid change (arginine 2971 retained).
Molecular consequence: synonymous variant.
Genome position (GRCh38, 1-based): chr8:143,920,908, C>T on the plus strand (G>A on the coding strand, the complement: PLEC is on the minus strand). VCF-style: chr8-143920908-C-T. GRCh37 (hg19) VCF-style: chr8-144995076-C-T.
Other names: c.8994G>A, p.Arg2998= (NM_000445.5); c.5613G>A, p.Arg1871= (NM_001410941.1); c.8871G>A, p.Arg2957= (NM_201378.4); c.8847G>A, p.Arg2949= (NM_201379.3); c.9324G>A, p.Arg3108= (NM_201380.4); c.8817G>A, p.Arg2939= (NM_201381.3); c.8913G>A, p.Arg2971= (NM_201382.4); c.8925G>A, p.Arg2975= (NM_201383.3).
Identifiers: ClinVar variation 4991442 (VCV004991442.1).

ClinVar aggregate classification (germline): Likely benign (1 of 4 stars; one submission).

Conditions:
PLEC-related disorder. Also called: PLEC-related disorders; PLEC-related condition.

gnomAD v4.1: 3 of 1,612,412 alleles (0.00019%); highest among the groups gnomAD compares: Non-Finnish European, 0.00025%; no homozygotes.

Submission:

PreventionGenetics, part of Exact Sciences
Classification: Likely benign for PLEC-related condition. Last evaluated: 2026-07-21. Review status: criteria provided, single submitter. Criteria: ACMG Guidelines, 2015. Collection method: clinical testing. Allele origin: germline.
Comment: This variant is classified as likely benign based on ACMG/AMP sequence variant interpretation guidelines (Richards et al. 2015 PMID: 25741868, with internal and published modifications).